The following is an entry in ClinVar:

NM_006648.4(WNK2):c.767G>A (p.Arg256His)

Gene: WNK2 (WNK lysine deficient protein kinase 2; plus strand). Cytogenetic location: 9q22.31.
Variant type: single nucleotide variant.
Coding change: c.767G>A on transcript NM_006648.4 (MANE Select); coding-DNA position 767, G replaced by A.
Protein change: p.Arg256His; replaces arginine 256 with histidine.
Molecular consequence: missense variant.
Genome position (GRCh38, 1-based): chr9:93,229,781, G>A. VCF-style: chr9-93229781-G-A. GRCh37 (hg19) VCF-style: chr9-95992063-G-A.
Other names: c.767G>A, p.Arg256His (NM_001282394.3); short protein forms R256H.
Identifiers: ClinVar variation 3981774 (VCV003981774.1).

ClinVar aggregate classification (germline): Uncertain significance (1 of 4 stars; one submission).

gnomAD v4.1: 1 of 1,613,892 alleles (0.000062%); no homozygotes.

Submission:

Ambry Genetics
Classification: Uncertain significance. Last evaluated: 2025-03-31. Review status: criteria provided, single submitter. Criteria: Ambry Variant Classification Scheme 2023. Collection method: clinical testing. Allele origin: germline.
Comment: The p.R256H variant (also known as c.767G>A), located in coding exon 2 of the WNK2 gene, results from a G to A substitution at nucleotide position 767. The arginine at codon 256 is replaced by histidine, an amino acid with highly similar properties. This amino acid position is conserved. In addition, the in silico prediction for this alteration is inconclusive. Based on the available evidence, the clinical significance of this variant remains unclear.